The following is an entry in ClinVar:

NM_001142800.2(EYS):c.8158_8159dup (p.Gln2721fs)

Gene: EYS (EGF-like photoreceptor maintenance factor; minus strand). Cytogenetic location: 6q12.
Variant type: Microsatellite.
Coding change: c.8158_8159dup on transcript NM_001142800.2 (MANE Select); coding-DNA positions 8158 to 8159, 2 bases duplicated (AT; older notation c.8158_8159dupAT).
Protein change: p.Gln2721fs; shifts the reading frame from glutamine 2721.
Molecular consequence: frameshift variant.
Genome position (GRCh38, 1-based): chr6:63,726,593-63,726,594, AT duplicated on the plus strand (AT on the coding strand, the reverse complement: EYS is on the minus strand); duplicating any 2 consecutive bases within chr6:63,726,593-63,726,596 gives the same sequence; the c. name uses the placement nearest the transcript's 3' end. VCF-style (leftmost placement, unchanged base first): chr6-63726592-A-AAT. GRCh37 (hg19) VCF-style: chr6-64436485-A-AAT.
Other names: c.8221_8222dup, p.Gln2742fs (NM_001292009.2); short protein forms Q2721fs, Q2742fs.
Identifiers: ClinVar variation 4854243 (VCV004854243.1).

ClinVar aggregate classification (germline): Likely pathogenic (1 of 4 stars; one submission).

Conditions:
Retinitis pigmentosa 25 (RP25). Identifiers: Orphanet 791, MedGen C1864446, MONDO:0011272, OMIM 602772.

Submission:

3billion
Classification: Likely pathogenic for Retinitis pigmentosa 25. Last evaluated: 2025-08-13. Review status: criteria provided, single submitter. Criteria: ACMG Guidelines, 2015. Collection method: clinical testing. Allele origin: germline. Affected: yes.
Comment: The variant is not observed in the gnomAD v4.1.0 dataset. Predicted Consequence/Location: Frameshift: predicted to result in a loss or disruption of normal protein function through nonsense-mediated decay (NMD) or protein truncation. Multiple pathogenic variants are reported downstream of the variant. Therefore, this variant is classified as Likely pathogenic according to the recommendation of ACMG/AMP guideline.